The following is an entry in ClinVar:

NM_001943.5(DSG2):c.2001+1G>T

Gene: DSG2 (desmoglein 2; plus strand). Cytogenetic location: 18q12.1.
Variant type: single nucleotide variant.
Coding change: c.2001+1G>T on transcript NM_001943.5 (MANE Select); the canonical splice donor site of the intron after coding-DNA position 2001, G replaced by T.
Molecular consequence: splice donor variant.
Genome position (GRCh38, 1-based): chr18:31,541,315, G>T. VCF-style: chr18-31541315-G-T. GRCh37 (hg19) VCF-style: chr18-29121278-G-T.
Identifiers: ClinVar variation 1784240 (VCV001784240.3), dbSNP rs2510920042, ClinGen allele CA402140010.
Genomic context (GRCh38, chr18:31,541,315, plus strand): 5'-CCTGGCACCATAGAGATGCTGCATCCTTGGAATAATGAAGGAGCACCACCTGAAGACAAG[G>T]TCAGTGGATCAGATGTCAATATGACTTGTCTTCTTCTTGGGTTTTAAAGGGGCCTAGGGA-3'

ClinVar aggregate classification (germline): Conflicting classifications of pathogenicity. Review status: criteria provided, conflicting classifications (1 of 4 stars). 2 submissions from 2 submitters: Likely pathogenic (1); Uncertain significance (1). Last evaluated 2023-12-18.

Conditions:
Cardiovascular phenotype. Identifiers: MedGen CN230736.
Arrhythmogenic right ventricular cardiomyopathy (ARVD). Also called: Cardiomyopathy, ARVC; Arrhythmogenic right ventricular dysplasia; Arrhythmogenic cardiomyopathy; Arrhythmogenic Right Ventricular Cardiomyopathy (ARVC). Identifiers: Orphanet 247, MedGen C0349788, MeSH D019571, MONDO:0016587. Disease mechanism: loss of function. Inheritance: Various modes of inheritance.

Submissions (2):

All of Us Research Program, National Institutes of Health
Classification: Uncertain significance for Arrhythmogenic right ventricular cardiomyopathy. Last evaluated: 2023-12-18. Review status: criteria provided, single submitter. Criteria: ACMG Guidelines, 2015. Collection method: clinical testing. Allele origin: germline. Inheritance: Autosomal dominant inheritance. Observed: 1 variant allele, 1 heterozygote.
Comment: This variant causes a G to T nucleotide substitution at the +1 position of intron 13 of the DSG2 gene. Splice prediction tools suggest that this variant may have a significant impact on splicing. To our knowledge, RNA studies have not been reported for this variant. This variant has not been reported in individuals affected with cardiovascular disorders in the literature. This variant has not been identified in the general population by the Genome Aggregation Database (gnomAD). Although there is a suspicion for a pathogenic role, clinical significance of loss-of-function DSG2 variants in autosomal dominant arrhythmogenic cardiomyopathy is not yet clearly established. The available evidence is insufficient to determine the role of this variant in autosomal dominant disease conclusively. Therefore, this variant is classified as a Variant of Uncertain Significance.

This study involves interpretation of variants in research participants for the purpose of population health screening. Participant phenotype was not available at the time of variant classification. Additional details can be found in publication PMID: 35346344, PMCID: PMC8962531

Ambry Genetics
Classification: Likely pathogenic for Cardiovascular phenotype. Last evaluated: 2022-04-26. Review status: criteria provided, single submitter. Criteria: Ambry Variant Classification Scheme 2023. Collection method: clinical testing. Allele origin: germline.
Comment: The c.2001+1G>T intronic variant results from a G to T substitution one nucleotide after coding exon 13 of the DSG2 gene. This variant is considered to be rare based on population cohorts in the Genome Aggregation Database (gnomAD). This nucleotide position is highly conserved in available vertebrate species. In silico splice site analysis predicts that this alteration will weaken the native splice donor site. Alterations that disrupt the canonical splice site are expected to cause aberrant splicing, resulting in an abnormal protein or a transcript that is subject to nonsense-mediated mRNA decay. As such, this alteration is classified as likely pathogenic.